The following is an entry in ClinVar:

NM_015910.7(WDPCP):c.335A>G (p.Gln112Arg)

Gene: WDPCP (WD repeat containing planar cell polarity effector; minus strand). Cytogenetic location: 2p15.
Variant type: single nucleotide variant.
Coding change: c.335A>G on transcript NM_015910.7 (MANE Select); coding-DNA position 335, A replaced by G.
Protein change: p.Gln112Arg; replaces glutamine 112 with arginine.
Molecular consequence: missense variant. On other transcripts: non-coding transcript variant (2).
Genome position (GRCh38, 1-based): chr2:63,484,653, T>C on the plus strand (A>G on the coding strand, the complement: WDPCP is on the minus strand). VCF-style: chr2-63484653-T-C. GRCh37 (hg19) VCF-style: chr2-63711787-T-C.
Other names: c.263A>G, p.Gln88Arg (NM_001354044.2); c.335A>G, p.Gln112Arg (NM_001354045.2); c.335A>G (NM_015910.5); short protein forms Q112R, Q88R.
Identifiers: ClinVar variation 1985490 (VCV001985490.5), dbSNP rs1558696105, ClinGen allele CA347065870.

ClinVar aggregate classification (germline): Uncertain significance. Review status: criteria provided, multiple submitters, no conflicts (2 of 4 stars). 2 submissions from 2 submitters: Uncertain significance (2). Last evaluated 2026-06-25.

Conditions:
WDPCP-related disorder. Also called: WDPCP-related condition.
Bardet-Biedl syndrome (BBS). Identifiers: Orphanet 110, MedGen C0752166, MONDO:0015229.

Allele frequency attached by ClinVar (database versions not stated): gnomAD exomes below 0.00001.
gnomAD v4.1: 1 of 1,612,910 alleles (0.000062%); highest among the groups gnomAD compares: Non-Finnish European, 0.000085%; no homozygotes.

Submissions (2):

PreventionGenetics, part of Exact Sciences
Classification: Uncertain significance for WDPCP-related condition. Last evaluated: 2026-06-25. Review status: criteria provided, single submitter. Criteria: ACMG Guidelines, 2015. Collection method: clinical testing. Allele origin: germline.
Comment: The WDPCP c.335A>G variant is predicted to result in the amino acid substitution p.Gln112Arg. To our knowledge, this variant has not been reported in the literature. This variant is reported in 0.0035% of alleles in individuals of European (Non-Finnish) descent in gnomAD. At this time, the clinical significance of this variant is uncertain due to the absence of conclusive functional and genetic evidence.

Labcorp Genetics (formerly Invitae), Labcorp
Classification: Uncertain significance for Bardet-Biedl syndrome. Last evaluated: 2024-10-24. Review status: criteria provided, single submitter. Criteria: Invitae Variant Classification Sherloc (09022015). Collection method: clinical testing. Allele origin: germline.
Comment: This sequence change replaces glutamine, which is neutral and polar, with arginine, which is basic and polar, at codon 112 of the WDPCP protein (p.Gln112Arg). This variant is present in population databases (no rsID available, gnomAD 0.004%). This variant has not been reported in the literature in individuals affected with WDPCP-related conditions. ClinVar contains an entry for this variant (Variation ID: 1985490). Invitae Evidence Modeling of protein sequence and biophysical properties (such as structural, functional, and spatial information, amino acid conservation, physicochemical variation, residue mobility, and thermodynamic stability) indicates that this missense variant is not expected to disrupt WDPCP protein function with a negative predictive value of 80%. In summary, the available evidence is currently insufficient to determine the role of this variant in disease. Therefore, it has been classified as a Variant of Uncertain Significance.